The following is an entry in ClinVar:

NM_000352.6(ABCC8):c.4537A>G (p.Met1513Val)

Gene: ABCC8 (ATP binding cassette subfamily C member 8; minus strand). Cytogenetic location: 11p15.1.
Variant type: single nucleotide variant.
Coding change: c.4537A>G on transcript NM_000352.6 (MANE Select); coding-DNA position 4537, A replaced by G.
Protein change: p.Met1513Val; replaces methionine 1513 with valine.
Molecular consequence: missense variant. On other transcripts: non-coding transcript variant (1).
Genome position (GRCh38, 1-based): chr11:17,394,274, T>C on the plus strand (A>G on the coding strand, the complement: ABCC8 is on the minus strand). VCF-style: chr11-17394274-T-C. GRCh37 (hg19) VCF-style: chr11-17415821-T-C.
Other names: c.4540A>G, p.Met1514Val (NM_001287174.3); c.4603A>G, p.Met1535Val (NM_001351295.2); c.4537A>G, p.Met1513Val (NM_001351296.2); c.4534A>G, p.Met1512Val (NM_001351297.2); short protein forms M1512V, M1513V, M1514V, M1535V.
Identifiers: ClinVar variation 3907210 (VCV003907210.1).

ClinVar aggregate classification (germline): Uncertain significance (1 of 4 stars; one submission).

Submission:

Women's Health and Genetics/Laboratory Corporation of America, LabCorp
Classification: Uncertain significance. Last evaluated: 2025-06-11. Review status: criteria provided, single submitter. Criteria: LabCorp Variant Classification Summary - May 2015. Collection method: clinical testing. Allele origin: germline.
Comment: Variant summary: ABCC8 c.4537A>G (p.Met1513Val) results in a conservative amino acid change in the encoded protein sequence. Algorithms developed to predict the effect of missense changes on protein structure and function are either unavailable or do not agree on the potential impact of this missense change. The variant was absent in 251136 control chromosomes. The available data on variant occurrences in the general population are insufficient to allow any conclusion about variant significance. To our knowledge, no occurrence of c.4537A>G in individuals affected with Congenital Hyperinsulinism and no experimental evidence demonstrating its impact on protein function have been reported. No submitters have cited clinical-significance assessments for this variant to ClinVar. Based on the evidence outlined above, the variant was classified as uncertain significance.